The following is an entry in ClinVar:

NM_001744.6(CAMK4):c.275TTC[2] (p.Leu94del)

Gene: CAMK4 (calcium/calmodulin dependent protein kinase IV; plus strand). Cytogenetic location: 5q22.1.
Variant type: Microsatellite.
Coding change: c.275TTC[2] on transcript NM_001744.6 (MANE Select); two copies in a row of the 3-base unit TTC starting at c.275; the reference has three copies in a row; one copy, 3 bases deleted.
Protein change: p.Leu94del; deletes leucine 94.
Molecular consequence: inframe deletion. On other transcripts: 5 prime UTR variant (1), intron variant (1).
Genome position (GRCh38, 1-based): chr5:111,374,890-111,374,892, TTC deleted; deleting any 3 consecutive bases within chr5:111,374,884-111,374,892 gives the same sequence; the position shown is the placement nearest the transcript's 3' end. VCF-style (leftmost placement, unchanged base first): chr5-111374883-GTTC-G. GRCh37 (hg19) VCF-style: chr5-110710581-GTTC-G.
Other names: c.275TTC[2], p.Leu94del (NM_001323374.2, NM_001323375.2); c.-234TTC[2] (NM_001323377.2); c.-205-19826TTC[2] (NM_001323376.2); short protein forms L94del.
Identifiers: ClinVar variation 2655632 (VCV002655632.24), dbSNP rs763153246, ClinGen allele CA3366275.

ClinVar aggregate classification (germline): Uncertain significance (1 of 4 stars; one submission).

Submission:

CeGaT Center for Human Genetics Tuebingen
Classification: Uncertain significance. Last evaluated: 2023-04-01. Review status: criteria provided, single submitter. Criteria: CeGaT Center For Human Genetics Tuebingen Variant Classification Criteria Version 2. Collection method: clinical testing. Allele origin: germline. Affected: yes. Observed: 1 variant allele.
Comment: CAMK4: PM4:Supporting, PS2:Supporting